The following is an entry in ClinVar:

ClinVar aggregate classification (germline): Uncertain significance. Review status: criteria provided, multiple submitters, no conflicts (2 of 4 stars). 2 submissions from 2 submitters: Uncertain significance (2). Last evaluated 2025-07-25.

Submissions (2):

GeneDx
Classification: Uncertain significance. Last evaluated: 2025-07-25. Review status: criteria provided, single submitter. Criteria: GeneDx Variant Classification Process June 2021. Collection method: clinical testing. Allele origin: germline. Affected: yes.
Comment: Not observed at significant frequency in large population cohorts (gnomAD); In silico analysis suggests that this missense variant does not alter protein structure/function; This substitution is predicted to be within the C-terminal cytoplasmic domain; Has not been previously published as pathogenic or benign to our knowledge

Laboratorio de Genetica e Diagnostico Molecular, Hospital Israelita Albert Einstein
Classification: Uncertain significance. Last evaluated: 2022-03-16. Review status: criteria provided, single submitter. Criteria: ACMG Guidelines, 2015. Collection method: clinical testing. Allele origin: germline. Affected: yes.
Comment: ACMG classification criteria: PM2

NM_001040142.2(SCN2A):c.5512C>G (p.Gln1838Glu)

Gene: SCN2A (sodium voltage-gated channel alpha subunit 2; plus strand). Cytogenetic location: 2q24.3.
Variant type: single nucleotide variant.
Coding change: c.5512C>G on transcript NM_001040142.2 (MANE Select); coding-DNA position 5512, C replaced by G.
Protein change: p.Gln1838Glu; replaces glutamine 1838 with glutamic acid.
Molecular consequence: missense variant.
Genome position (GRCh38, 1-based): chr2:165,389,318, C>G. VCF-style: chr2-165389318-C-G. GRCh37 (hg19) VCF-style: chr2-166245828-C-G.
Other names: c.5512C>G, p.Gln1838Glu (NM_001040143.2, NM_001371246.1, NM_001371247.1 and 1 more transcripts); c.5512C>G (NM_021007.2); short protein forms Q1838E.
Identifiers: ClinVar variation 1690580 (VCV001690580.3), dbSNP rs2105403284, ClinGen allele CA349039197.